The following is an entry in ClinVar:

ClinVar aggregate classification (germline): Likely benign (1 of 4 stars; one submission).

Allele frequency attached by ClinVar (database versions not stated): 1000 Genomes Project 30x 0.00297; 1000 Genomes Project 0.00319; ExAC 0.00421; gnomAD 0.00445; TOPMed 0.00476; ESP Exome Variant Server 0.00556.
gnomAD v4.1: 7,913 of 1,614,044 alleles (0.49%); highest among the groups gnomAD compares: Middle Eastern, 0.76%; 34 homozygotes.

Submission:

CeGaT Center for Human Genetics Tuebingen
Classification: Likely benign. Last evaluated: 2022-04-01. Review status: criteria provided, single submitter. Criteria: CeGaT Center For Human Genetics Tuebingen Variant Classification Criteria Version 2. Collection method: clinical testing. Allele origin: germline. Affected: yes. Observed: 1 variant allele.
Comment: DCAF1: BP4, BP7, BS2

NM_001387579.1(DCAF1):c.2220C>T (p.Ser740=)

Gene: DCAF1 (DDB1 and CUL4 associated factor 1; minus strand). Cytogenetic location: 3p21.2.
Variant type: single nucleotide variant.
Coding change: c.2220C>T on transcript NM_001387579.1 (MANE Select); coding-DNA position 2220, C replaced by T.
Protein change: p.Ser740=; no amino-acid change (serine 740 retained).
Molecular consequence: synonymous variant. On other transcripts: non-coding transcript variant (2).
Genome position (GRCh38, 1-based): chr3:51,420,750, G>A on the plus strand (C>T on the coding strand, the complement: DCAF1 is on the minus strand). VCF-style: chr3-51420750-G-A. GRCh37 (hg19) VCF-style: chr3-51458204-G-A.
Other names: c.2217C>T, p.Ser739= (NM_001171904.2, NM_001387582.1); c.2220C>T, p.Ser740= (NM_001349168.2, NM_001349169.2, NM_001349170.2 and 4 more transcripts); c.1974C>T, p.Ser658= (NM_001349171.2, NM_001387583.1).
Identifiers: ClinVar variation 2653872 (VCV002653872.24), dbSNP rs150385433, ClinGen allele CA2423209.